The following is an entry in ClinVar:

ClinVar aggregate classification (germline): Uncertain significance (1 of 4 stars; one submission).

Conditions:
Autoimmune lymphoproliferative syndrome type 2A (ALPS2A). Also called: Autoimmune lymphoproliferative syndrome type 2; CASP10-Related Autoimmune Lymphoproliferative Syndrome; AUTOIMMUNE LYMPHOPROLIFERATIVE SYNDROME, TYPE IIA. Identifiers: Orphanet 3261, MedGen C1858968, MONDO:0011383, OMIM 603909.

Allele frequency attached by ClinVar (database versions not stated): gnomAD exomes below 0.00001 and 0.00001.

Submission:

Labcorp Genetics (formerly Invitae), Labcorp
Classification: Uncertain significance for Autoimmune lymphoproliferative syndrome type 2A. Last evaluated: 2021-08-29. Review status: criteria provided, single submitter. Criteria: Invitae Variant Classification Sherloc (09022015). Collection method: clinical testing. Allele origin: germline.
Comment: This sequence change replaces serine with cysteine at codon 10 of the CASP10 protein (p.Ser10Cys). The serine residue is weakly conserved and there is a moderate physicochemical difference between serine and cysteine. This variant is not present in population databases (ExAC no frequency). This variant has not been reported in the literature in individuals affected with CASP10-related conditions. Algorithms developed to predict the effect of missense changes on protein structure and function are either unavailable or do not agree on the potential impact of this missense change (SIFT: "Tolerated"; PolyPhen-2: "Probably Damaging"; Align-GVGD: "Class C0"). In summary, the available evidence is currently insufficient to determine the role of this variant in disease. Therefore, it has been classified as a Variant of Uncertain Significance.

NM_032977.4(CASP10):c.29C>G (p.Ser10Cys)

Gene: CASP10 (caspase 10; plus strand). Cytogenetic location: 2q33.1.
Variant type: single nucleotide variant.
Coding change: c.29C>G on transcript NM_032977.4 (MANE Select); coding-DNA position 29, C replaced by G.
Protein change: p.Ser10Cys; replaces serine 10 with cysteine.
Molecular consequence: missense variant.
Genome position (GRCh38, 1-based): chr2:201,185,806, C>G. VCF-style: chr2-201185806-C-G. GRCh37 (hg19) VCF-style: chr2-202050529-C-G.
Other names: c.29C>G, p.Ser10Cys (NM_001206524.2, NM_001206542.2, NM_001230.5 and 3 more transcripts); short protein forms S10C.
Identifiers: ClinVar variation 1419109 (VCV001419109.6), dbSNP rs1188335683, ClinGen allele CA350277421.